The following is an entry in ClinVar:

NM_006946.4(SPTBN2):c.4405_4406inv (p.Lys1469Leu)

Gene: SPTBN2 (spectrin beta, non-erythrocytic 2; minus strand). Cytogenetic location: 11q13.2.
Variant type: Inversion.
Coding change: c.4405_4406inv on transcript NM_006946.4 (MANE Select).
Protein change: p.Lys1469Leu; replaces lysine 1469 with leucine.
Molecular consequence: missense variant.
Genome position: GRCh38 VCF-style: chr11-66694236-TT-AA. GRCh37 (hg19) VCF-style: chr11-66461707-TT-AA.
Other names: c.4426_4427inv, p.Lys1476Leu (NM_001411025.1); short protein forms K1476L, K1469L.
Identifiers: ClinVar variation 2779518 (VCV002779518.3), ClinGen allele CA2739270579.

ClinVar aggregate classification (germline): Uncertain significance (1 of 4 stars; one submission).

Submission:

Labcorp Genetics (formerly Invitae), Labcorp
Classification: Uncertain significance. Last evaluated: 2023-01-21. Review status: criteria provided, single submitter. Criteria: Invitae Variant Classification Sherloc (09022015). Collection method: clinical testing. Allele origin: germline.
Comment: In summary, the available evidence is currently insufficient to determine the role of this variant in disease. Therefore, it has been classified as a Variant of Uncertain Significance. An algorithm developed to predict the effect of missense changes on protein structure and function (PolyPhen-2) suggests that this variant is likely to be disruptive. This variant has not been reported in the literature in individuals affected with SPTBN2-related conditions. Information on the frequency of this variant in the gnomAD database is not available, as this variant may be reported differently in the database. This sequence change replaces lysine, which is basic and polar, with leucine, which is neutral and non-polar, at codon 1469 of the SPTBN2 protein (p.Lys1469Leu).